The following is an entry in ClinVar:

ClinVar aggregate classification (germline): Uncertain significance (1 of 4 stars; one submission).

Conditions:
Rubinstein-Taybi syndrome (RSTS). Identifiers: Orphanet 783, MedGen C0035934, MONDO:0019188.

Submission:

Labcorp Genetics (formerly Invitae), Labcorp
Classification: Uncertain significance for Rubinstein-Taybi syndrome. Last evaluated: 2025-02-13. Review status: criteria provided, single submitter. Criteria: Invitae Variant Classification Sherloc (09022015). Collection method: clinical testing. Allele origin: germline.
Comment: This sequence change replaces proline, which is neutral and non-polar, with alanine, which is neutral and non-polar, at codon 2033 of the CREBBP protein (p.Pro2033Ala). This variant is not present in population databases (gnomAD no frequency). This variant has not been reported in the literature in individuals affected with CREBBP-related conditions. Invitae Evidence Modeling of protein sequence and biophysical properties (such as structural, functional, and spatial information, amino acid conservation, physicochemical variation, residue mobility, and thermodynamic stability) indicates that this missense variant is not expected to disrupt CREBBP protein function with a negative predictive value of 95%. In summary, the available evidence is currently insufficient to determine the role of this variant in disease. Therefore, it has been classified as a Variant of Uncertain Significance.

NM_004380.3(CREBBP):c.6097C>G (p.Pro2033Ala)

Gene: CREBBP (CREB binding lysine acetyltransferase; minus strand). Cytogenetic location: 16p13.3.
Variant type: single nucleotide variant.
Coding change: c.6097C>G on transcript NM_004380.3 (MANE Select); coding-DNA position 6097, C replaced by G.
Protein change: p.Pro2033Ala; replaces proline 2033 with alanine.
Molecular consequence: missense variant.
Genome position (GRCh38, 1-based): chr16:3,728,950, G>C on the plus strand (C>G on the coding strand, the complement: CREBBP is on the minus strand). VCF-style: chr16-3728950-G-C. GRCh37 (hg19) VCF-style: chr16-3778951-G-C.
Other names: c.5983C>G, p.Pro1995Ala (NM_001079846.1); short protein forms P2033A, P1995A.
Identifiers: ClinVar variation 3720682 (VCV003720682.2).